The following is an entry in ClinVar:

ClinVar aggregate classification (germline): Uncertain significance (1 of 4 stars; one submission).

Conditions:
Polyhydramnios, megalencephaly, and symptomatic epilepsy (PMSE). Also called: PMSE SYNDROME. Identifiers: Orphanet 500533, MedGen C1970203, MONDO:0012611, OMIM 611087.

Allele frequency attached by ClinVar (database versions not stated): ExAC 0.00001; gnomAD exomes 0.00001; TOPMed 0.00001.
gnomAD v4.1: 18 of 1,614,156 alleles (0.0011%); highest among the groups gnomAD compares: East Asian, 0.0045%; no homozygotes.

Submission:

Labcorp Genetics (formerly Invitae), Labcorp
Classification: Uncertain significance for Polyhydramnios, megalencephaly, and symptomatic epilepsy. Last evaluated: 2024-10-25. Review status: criteria provided, single submitter. Criteria: Invitae Variant Classification Sherloc (09022015). Collection method: clinical testing. Allele origin: germline.
Comment: This sequence change replaces arginine, which is basic and polar, with glutamine, which is neutral and polar, at codon 226 of the STRADA protein (p.Arg226Gln). This variant is present in population databases (rs765852114, gnomAD 0.006%). This variant has not been reported in the literature in individuals affected with STRADA-related conditions. ClinVar contains an entry for this variant (Variation ID: 1445351). An algorithm developed to predict the effect of missense changes on protein structure and function (PolyPhen-2) suggests that this variant is likely to be tolerated. In summary, the available evidence is currently insufficient to determine the role of this variant in disease. Therefore, it has been classified as a Variant of Uncertain Significance.

NM_001003787.4(STRADA):c.677G>A (p.Arg226Gln)

Gene: STRADA (STE20 related adaptor alpha; minus strand). Cytogenetic location: 17q23.3.
Variant type: single nucleotide variant.
Coding change: c.677G>A on transcript NM_001003787.4 (MANE Select); coding-DNA position 677, G replaced by A.
Protein change: p.Arg226Gln; replaces arginine 226 with glutamine.
Molecular consequence: missense variant.
Genome position (GRCh38, 1-based): chr17:63,707,323, C>T on the plus strand (G>A on the coding strand, the complement: STRADA is on the minus strand). VCF-style: chr17-63707323-C-T. GRCh37 (hg19) VCF-style: chr17-61784683-C-T.
Other names: c.566G>A, p.Arg189Gln (NM_001003786.3, NM_001363789.1, NM_153335.6); c.503G>A, p.Arg168Gln (NM_001003788.3, NM_001363790.1, NM_001363791.1); c.590G>A, p.Arg197Gln (NM_001165969.2, NM_001363787.1); c.545G>A, p.Arg182Gln (NM_001165970.2); c.653G>A, p.Arg218Gln (NM_001363786.1); c.677G>A, p.Arg226Gln (NM_001363788.1); short protein forms R226Q, R168Q, R189Q, R197Q, R218Q, R182Q.
Identifiers: ClinVar variation 1445351 (VCV001445351.6), dbSNP rs765852114, ClinGen allele CA8703314.